The following is an entry in ClinVar:

ClinVar aggregate classification (germline): Uncertain significance (1 of 4 stars; one submission).

Allele frequency attached by ClinVar (database versions not stated): gnomAD exomes below 0.00001; gnomAD 0.00001.
gnomAD v4.1: 7 of 1,613,718 alleles (0.00043%); highest among the groups gnomAD compares: Non-Finnish European, 0.00059%; no homozygotes.

Submission:

Labcorp Genetics (formerly Invitae), Labcorp
Classification: Uncertain significance. Last evaluated: 2022-10-04. Review status: criteria provided, single submitter. Criteria: Invitae Variant Classification Sherloc (09022015). Collection method: clinical testing. Allele origin: germline.
Comment: Advanced modeling of protein sequence and biophysical properties (such as structural, functional, and spatial information, amino acid conservation, physicochemical variation, residue mobility, and thermodynamic stability) performed at Invitae indicates that this missense variant is expected to disrupt PCDH15 protein function. In summary, the available evidence is currently insufficient to determine the role of this variant in disease. Therefore, it has been classified as a Variant of Uncertain Significance. ClinVar contains an entry for this variant (Variation ID: 1502654). This variant has not been reported in the literature in individuals affected with PCDH15-related conditions. This variant is not present in population databases (gnomAD no frequency). This sequence change replaces asparagine, which is neutral and polar, with serine, which is neutral and polar, at codon 97 of the PCDH15 protein (p.Asn97Ser).

NM_001384140.1(PCDH15):c.290A>G (p.Asn97Ser)

Gene: PCDH15 (protocadherin related 15; minus strand). Cytogenetic location: 10q21.1.
Variant type: single nucleotide variant.
Coding change: c.290A>G on transcript NM_001384140.1 (MANE Select); coding-DNA position 290, A replaced by G.
Protein change: p.Asn97Ser; replaces asparagine 97 with serine.
Molecular consequence: missense variant.
Genome position (GRCh38, 1-based): chr10:54,378,810, T>C on the plus strand (A>G on the coding strand, the complement: PCDH15 is on the minus strand). VCF-style: chr10-54378810-T-C. GRCh37 (hg19) VCF-style: chr10-56138570-T-C.
Other names: c.305A>G, p.Asn102Ser (NM_001142763.2, NM_001142769.4, NM_001142771.2); c.290A>G, p.Asn97Ser (NM_001142764.2, NM_001142765.2, NM_001142766.2 and 8 more transcripts); c.224A>G, p.Asn75Ser (NM_001142768.2, NM_001142773.2, NM_001354404.2); short protein forms N102S, N75S, N97S.
Identifiers: ClinVar variation 1502654 (VCV001502654.7), dbSNP rs1948816721, ClinGen allele CA376540459.